The following is an entry in ClinVar:

NM_025179.4(PLXNA2):c.71T>C (p.Val24Ala)

Gene: PLXNA2 (plexin A2; minus strand). Cytogenetic location: 1q32.2.
Variant type: single nucleotide variant.
Coding change: c.71T>C on transcript NM_025179.4 (MANE Select); coding-DNA position 71, T replaced by C.
Protein change: p.Val24Ala; replaces valine 24 with alanine.
Molecular consequence: missense variant.
Genome position (GRCh38, 1-based): chr1:208,217,852, A>G on the plus strand (T>C on the coding strand, the complement: PLXNA2 is on the minus strand). VCF-style: chr1-208217852-A-G. GRCh37 (hg19) VCF-style: chr1-208391197-A-G.
Other names: short protein forms V24A.
Identifiers: ClinVar variation 4993635 (VCV004993635.1).
Genomic context (GRCh38, chr1:208,217,852, plus strand): 5'-TCAGAGTGGAAGGTGCTGAACTGAGGCATGCCGGCTGCTGGGGGGGCCAGCAGCACCCAG[A>G]CCACTGAGAGCAGGACCACAGAGCGGCTGTCCACCTCCAGGGCCCGGGGCCAGGGCCGCC-3'
Protein context (NP_079455.3, residues 14-34): DSRSVVLLSV[Val24Ala]WVLLAPPAAG

ClinVar aggregate classification (germline): Uncertain significance (1 of 4 stars; one submission).

Conditions:
PLXNA2-related disorder. Also called: PLXNA2-related condition.

gnomAD v4.1: 2 of 1,613,796 alleles (0.00012%); highest among the groups gnomAD compares: Admixed American, 0.0017%; no homozygotes.

Submission:

PreventionGenetics, part of Exact Sciences
Classification: Uncertain significance for PLXNA2-related condition. Last evaluated: 2026-03-12. Review status: criteria provided, single submitter. Criteria: ACMG Guidelines, 2015. Collection method: clinical testing. Allele origin: germline.
Comment: The PLXNA2 c.71T>C variant is predicted to result in the amino acid substitution p.Val24Ala. To our knowledge, this variant has not been reported in the literature or in a large population database (gnomAD), indicating this variant is rare. At this time, the clinical significance of this variant is uncertain due to the absence of conclusive functional and genetic evidence.